The following is an entry in ClinVar:

ClinVar aggregate classification (germline): Likely benign. Review status: criteria provided, multiple submitters, no conflicts (2 of 4 stars). 2 submissions from 2 submitters: Likely benign (2). Last evaluated 2026-02-01.

Allele frequency attached by ClinVar (database versions not stated): TOPMed 0.00024; ExAC 0.00039; ESP Exome Variant Server 0.00046; gnomAD exomes 0.00046 and 0.00016; gnomAD 0.00022 and 0.00023.
gnomAD v4.1: 697 of 1,587,874 alleles (0.044%); highest among the groups gnomAD compares: Non-Finnish European, 0.056%; no homozygotes.

Submissions (2):

CeGaT Center for Human Genetics Tuebingen
Classification: Likely benign. Last evaluated: 2026-02-01. Review status: criteria provided, single submitter. Criteria: CeGaT Center For Human Genetics Tuebingen Variant Classification Criteria Version 2. Collection method: clinical testing. Allele origin: germline. Affected: yes. Observed: 1 variant allele.
Comment: CYP26C1: BP4, BP7

Labcorp Genetics (formerly Invitae), Labcorp
Classification: Likely benign. Last evaluated: 2019-12-31. Review status: criteria provided, single submitter. Criteria: Invitae Variant Classification Sherloc (09022015). Collection method: clinical testing. Allele origin: germline.

NM_183374.3(CYP26C1):c.82C>T (p.Leu28=)

Gene: CYP26C1 (cytochrome P450 family 26 subfamily C member 1; plus strand). Cytogenetic location: 10q23.33.
Variant type: single nucleotide variant.
Coding change: c.82C>T on transcript NM_183374.3 (MANE Select); coding-DNA position 82, C replaced by T.
Protein change: p.Leu28=; no amino-acid change (leucine 28 retained).
Molecular consequence: synonymous variant.
Genome position (GRCh38, 1-based): chr10:93,061,345, C>T. VCF-style: chr10-93061345-C-T. GRCh37 (hg19) VCF-style: chr10-94821102-C-T.
Identifiers: ClinVar variation 725155 (VCV000725155.8), dbSNP rs144906308, ClinGen allele CA5605572.